The following is an entry in ClinVar:

ClinVar aggregate classification (germline): Likely pathogenic. Review status: criteria provided, single submitter (1 of 4 stars). 2 submissions from 2 submitters: Likely pathogenic (1). 1 of the submissions does not count toward it. Last evaluated 2017-05-28.

Conditions:
Frasier syndrome. Identifiers: Orphanet 347, MedGen C0950122, MeSH D052159, MONDO:0007635, OMIM 136680.
Wilms tumor 1 (WT1). Also called: Wilms tumor, somatic. Identifiers: Orphanet 654, MedGen CN033288, MONDO:0008679, OMIM 194070.
11p partial monosomy syndrome (WAGR). Also called: CHROMOSOME 11p13 DELETION SYNDROME; WAGR Complex; WAGR syndrome; WAGR Spectrum Disorder. Identifiers: Orphanet 893, MedGen C0206115, MONDO:0008681, OMIM 194072.
Drash syndrome (DDS). Also called: NEPHROPATHY, WILMS TUMOR, AND GENITAL ANOMALIES; WILMS TUMOR AND PSEUDO- OR TRUE HERMAPHRODITISM. Identifiers: Orphanet 220, MedGen C0950121, MONDO:0008682, OMIM 194080.

Submissions (2):

Labcorp Genetics (formerly Invitae), Labcorp
Classification: Likely pathogenic for Wilms tumor 1; Drash syndrome; 11p partial monosomy syndrome; Frasier syndrome. Last evaluated: 2017-05-28. Review status: criteria provided, single submitter. Criteria: Invitae Variant Classification Sherloc (09022015). Collection method: clinical testing. Allele origin: germline.
Comment: In summary, the currently available evidence indicates that the variant is pathogenic, but additional data are needed to prove that conclusively. Therefore, this variant has been classified as Likely Pathogenic. This sequence change replaces aspartic acid with glycine at codon 464 of the WT1 protein (p.Asp464Gly). The aspartic acid residue is highly conserved and there is a moderate physicochemical difference between aspartic acid and glycine. This variant is not present in population databases (ExAC no frequency). This variant has been reported in two individuals affected with WT1-related conditions (PMID: 1655284, 24402088), and was found to be de novo in one of them (PMID: 1655284). This variant is also known as p.Asp396Gly in the literature. ClinVar contains an entry for this variant (Variation ID: 3489). A different missense substitution at this codon (p.Asp464Asn) has been determined to be pathogenic (PMID: 8810912, 5665984, 1655284, 20442690, 22876585, 24379226). This suggests that the aspartic acid residue is critical for WT1 protein function and that other missense substitutions at this position may also be pathogenic. Algorithms developed to predict the effect of missense changes on protein structure and function (SIFT, PolyPhen-2, Align-GVGD) all suggest that this variant is likely to be disruptive, but these predictions have not been confirmed by published functional studies and their clinical significance is uncertain.

OMIM
Classification: Pathogenic for DENYS-DRASH SYNDROME. Last evaluated: 1991-10-18. Review status: no assertion criteria provided. Collection method: literature only. Allele origin: germline. Not counted in ClinVar's aggregate classification.

Literature cited by the submitters: PubMed 1655284 (cited by Labcorp Genetics (formerly Invitae), Labcorp and OMIM); PubMed 24402088 (cited by Labcorp Genetics (formerly Invitae), Labcorp); PubMed 8810912 (cited by Labcorp Genetics (formerly Invitae), Labcorp); PubMed 5665984 (cited by Labcorp Genetics (formerly Invitae), Labcorp); PubMed 20442690 (cited by Labcorp Genetics (formerly Invitae), Labcorp); PubMed 22876585 (cited by Labcorp Genetics (formerly Invitae), Labcorp); PubMed 24379226 (cited by Labcorp Genetics (formerly Invitae), Labcorp).

NM_024426.6(WT1):c.1406A>G (p.Asp469Gly)

Gene: WT1 (WT1 transcription factor; minus strand). Cytogenetic location: 11p13.
Variant type: single nucleotide variant.
Coding change: c.1406A>G on transcript NM_024426.6 (MANE Select); coding-DNA position 1406, A replaced by G.
Protein change: p.Asp469Gly; replaces aspartic acid 469 with glycine.
Molecular consequence: missense variant. On other transcripts: non-coding transcript variant (1).
Genome position (GRCh38, 1-based): chr11:32,392,013, T>C on the plus strand (A>G on the coding strand, the complement: WT1 is on the minus strand). VCF-style: chr11-32392013-T-C. GRCh37 (hg19) VCF-style: chr11-32413559-T-C.
Other names: WT1, ASP396GLY; c.1355A>G, p.Asp452Gly (NM_000378.6, NM_001407045.1); c.755A>G, p.Asp252Gly (NM_001198551.2); c.704A>G, p.Asp235Gly (NM_001198552.2); c.218A>G, p.Asp73Gly (NM_001367854.1); c.1400A>G, p.Asp467Gly (NM_001407044.1); c.1283A>G, p.Asp428Gly (NM_001407047.1); c.1265A>G, p.Asp422Gly (NM_001407048.1); and 4 more; short protein forms D252G, D452G, D469G, D73G, D235G, D428G, D215G, D422G.
Identifiers: ClinVar variation 3489 (VCV000003489.11), dbSNP rs121907902, ClinGen allele CA016344.